The following is an entry in ClinVar:

ClinVar aggregate classification (germline): Likely benign. Review status: criteria provided, single submitter (1 of 4 stars). 2 submissions from 2 submitters: Likely benign (1). 1 of the submissions does not count toward it. Last evaluated 2024-08-22.

Conditions:
Juvenile onset Parkinson disease 19A. Also called: PARK19; DNAJC6 Parkinson Disease. Identifiers: Orphanet 391411, MedGen C3809811, MONDO:0014231, OMIM 615528.
DNAJC6-related disorder. Also called: DNAJC6-Related Disorders; DNAJC6-related condition.

Allele frequency attached by ClinVar (database versions not stated): TOPMed 0.00001; ExAC 0.00002; gnomAD 0.00002.
gnomAD v4.1: 40 of 1,529,176 alleles (0.0026%); highest among the groups gnomAD compares: Non-Finnish European, 0.0033%; no homozygotes.

Submissions (2):

Labcorp Genetics (formerly Invitae), Labcorp
Classification: Likely benign for Juvenile onset Parkinson disease 19A. Last evaluated: 2024-08-22. Review status: criteria provided, single submitter. Criteria: Invitae Variant Classification Sherloc (09022015). Collection method: clinical testing. Allele origin: germline.

PreventionGenetics, part of Exact Sciences
Classification: Likely benign for DNAJC6-related condition. Last evaluated: 2019-02-25. Review status: no assertion criteria provided. Collection method: clinical testing. Allele origin: germline. Not counted in ClinVar's aggregate classification.
Comment: This variant is classified as likely benign based on ACMG/AMP sequence variant interpretation guidelines (Richards et al. 2015 PMID: 25741868, with internal and published modifications).

NM_001256864.2(DNAJC6):c.681A>G (p.Ala227=)

Gene: DNAJC6 (DnaJ heat shock protein family (Hsp40) member C6; plus strand). Cytogenetic location: 1p31.3.
Variant type: single nucleotide variant.
Coding change: c.681A>G on transcript NM_001256864.2 (MANE Select); coding-DNA position 681, A replaced by G.
Protein change: p.Ala227=; no amino-acid change (alanine 227 retained).
Molecular consequence: synonymous variant.
Genome position (GRCh38, 1-based): chr1:65,384,207, A>G. VCF-style: chr1-65384207-A-G. GRCh37 (hg19) VCF-style: chr1-65849890-A-G.
Other names: c.471A>G, p.Ala157= (NM_001256865.2); c.510A>G, p.Ala170= (NM_014787.4).
Identifiers: ClinVar variation 3057626 (VCV003057626.4), dbSNP rs752731375, ClinGen allele CA893737.